The following is an entry in ClinVar:

NM_032638.5(GATA2):c.917G>A (p.Trp306Ter)

Gene: GATA2 (GATA binding protein 2; minus strand). Cytogenetic location: 3q21.3.
Variant type: single nucleotide variant.
Coding change: c.917G>A on transcript NM_032638.5 (MANE Select); coding-DNA position 917, G replaced by A.
Protein change: p.Trp306Ter; replaces tryptophan 306 with a stop codon.
Molecular consequence: nonsense.
Genome position (GRCh38, 1-based): chr3:128,483,960, C>T on the plus strand (G>A on the coding strand, the complement: GATA2 is on the minus strand). VCF-style: chr3-128483960-C-T. GRCh37 (hg19) VCF-style: chr3-128202803-C-T.
Other names: c.917G>A, p.Trp306Ter (NM_001145661.2, NM_001145662.1); short protein forms W306*.
Identifiers: ClinVar variation 1184238 (VCV001184238.2), dbSNP rs2107670463, ClinGen allele CA354404750.
Genomic context (GRCh38, chr3:128,483,960, plus strand): 5'-TTCATCTTGTGGTAGAGGCCACAGGCATTGCACAGGTAGTGGCCGGTGCCGTCCCGCCGC[C>T]AGAGAGGGGTGGCTGTGGCCCCACAGTTGACACACTCCCGGCCTTCTGCAGGGGAACAGG-3'

ClinVar aggregate classification (germline): Pathogenic. Review status: criteria provided, multiple submitters, no conflicts (2 of 4 stars). 2 submissions from 2 submitters: Pathogenic (2). Last evaluated 2023-04-18.

Conditions:
GATA2-related disorder. Also called: GATA2-Related Disorders; GATA2-related condition.
GATA2 deficiency with susceptibility to MDS/AML. Identifiers: MedGen CN300066, MONDO:0042982.
Deafness-lymphedema-leukemia syndrome. Also called: Lymphedema, primary, with myelodysplasia; Emberger syndrome. Identifiers: Orphanet 3226, MedGen C3279664, MONDO:0013540, OMIM 614038.

Submissions (2):

Blueprint Genetics
Classification: Pathogenic for GATA2-related disorders. Last evaluated: 2023-04-18. Review status: criteria provided, single submitter. Criteria: ACMG Guidelines, 2015. Collection method: clinical testing. Allele origin: germline. Affected: yes. Observed: 1 variant allele.

Molecular Pathology Research Laboratory, SA Pathology
Classification: Pathogenic for GATA2 deficiency with susceptibility to MDS/AML; Deafness-lymphedema-leukemia syndrome. Last evaluated: 2021-07-06. Review status: criteria provided, single submitter. Criteria: ACMG Guidelines, 2015. Collection method: curation. Allele origin: unknown. Inheritance: Autosomal dominant inheritance. Affected: yes. Observed: 1 variant allele.
Comment: PVS1, PS4_Supporting, PM2

Literature cited by the submitters: PubMed 27416790 (cited by Molecular Pathology Research Laboratory, SA Pathology).